The following is an entry in ClinVar:

ClinVar aggregate classification (germline): Likely benign. Review status: criteria provided, multiple submitters, no conflicts (2 of 4 stars). 3 submissions from 3 submitters: Likely benign (2). 1 of the submissions does not count toward it. Last evaluated 2023-11-08.

Conditions:
NUP107-related disorder. Also called: NUP107-related condition.

Allele frequency attached by ClinVar (database versions not stated): gnomAD 0.00002; TOPMed 0.00004; ExAC 0.00008.
gnomAD v4.1: 157 of 1,602,974 alleles (0.0098%); highest among the groups gnomAD compares: Non-Finnish European, 0.013%; no homozygotes.

Submissions (3):

Labcorp Genetics (formerly Invitae), Labcorp
Classification: Likely benign. Last evaluated: 2023-11-08. Review status: criteria provided, single submitter. Criteria: Invitae Variant Classification Sherloc (09022015). Collection method: clinical testing. Allele origin: germline.

CeGaT Center for Human Genetics Tuebingen
Classification: Likely benign. Last evaluated: 2022-10-01. Review status: criteria provided, single submitter. Criteria: CeGaT Center For Human Genetics Tuebingen Variant Classification Criteria Version 2. Collection method: clinical testing. Allele origin: germline. Affected: yes. Observed: 1 variant allele.
Comment: NUP107: BP4, BP7

PreventionGenetics, part of Exact Sciences
Classification: Likely benign for NUP107-related condition. Last evaluated: 2022-12-20. Review status: no assertion criteria provided. Collection method: clinical testing. Allele origin: germline. Not counted in ClinVar's aggregate classification.
Comment: This variant is classified as likely benign based on ACMG/AMP sequence variant interpretation guidelines (Richards et al. 2015 PMID: 25741868, with internal and published modifications).

NM_020401.4(NUP107):c.765G>A (p.Ala255=)

Gene: NUP107 (nucleoporin 107; plus strand). Cytogenetic location: 12q15.
Variant type: single nucleotide variant.
Coding change: c.765G>A on transcript NM_020401.4 (MANE Select); coding-DNA position 765, G replaced by A.
Protein change: p.Ala255=; no amino-acid change (alanine 255 retained).
Molecular consequence: synonymous variant.
Genome position (GRCh38, 1-based): chr12:68,709,273, G>A. VCF-style: chr12-68709273-G-A. GRCh37 (hg19) VCF-style: chr12-69103053-G-A.
Other names: c.678G>A, p.Ala226= (NM_001330192.2); c.765G>A (NM_020401.3).
Identifiers: ClinVar variation 2191175 (VCV002191175.29), dbSNP rs760015459, ClinGen allele CA6677548.
Genomic context (GRCh38, chr12:68,709,273, plus strand): 5'-ATCCTTTTAATATTTTTCATAATAGGCTGTTAATGCCAGTGAAAAAACAGTTGTGGAAGC[G>A]TTATTTCAGAGGGATTCACTTGTTCGACAAAGTCAGGTATGACTAGAATTTAAAATTTTT-3'
Protein context (NP_065134.1, residues 245-265): VNASEKTVVE[Ala255=]LFQRDSLVRQ